The following is an entry in ClinVar:

NM_001844.5(COL2A1):c.3158G>T (p.Gly1053Val)

Gene: COL2A1 (collagen type II alpha 1 chain; minus strand). Cytogenetic location: 12q13.11.
Variant type: single nucleotide variant.
Coding change: c.3158G>T on transcript NM_001844.5 (MANE Select); coding-DNA position 3158, G replaced by T.
Protein change: p.Gly1053Val; replaces glycine 1053 with valine.
Molecular consequence: missense variant.
Genome position (GRCh38, 1-based): chr12:47,977,607, C>A on the plus strand (G>T on the coding strand, the complement: COL2A1 is on the minus strand). VCF-style: chr12-47977607-C-A. GRCh37 (hg19) VCF-style: chr12-48371390-C-A.
Other names: c.2951G>T, p.Gly984Val (NM_033150.3); short protein forms G1053V, G984V.
Identifiers: ClinVar variation 3346485 (VCV003346485.1).
Genomic context (GRCh38, chr12:47,977,607, plus strand): 5'-CCCGAGGCAATGTCCTCCCCAACCCACTGCACACACAGACACCAGACACTCACCTTGACT[C>A]CAGCAGCGCCATCTCTGCCAGGGGGGCCATCAGCACCGGGGCTTCCCTGGACAAAGTGAA-3'
Protein context (NP_001835.3, residues 1043-1063): DGPPGRDGAA[Gly1053Val]VKGDRGETGA

ClinVar aggregate classification (germline): Likely pathogenic (0 of 4 stars; one submission).

Conditions:
COL2A1-related disorder. Also called: COL2A1-related condition; COL2A1-related disorders.

Submission:

PreventionGenetics, part of Exact Sciences
Classification: Likely pathogenic for COL2A1-related condition. Last evaluated: 2024-08-02. Review status: no assertion criteria provided. Collection method: clinical testing. Allele origin: germline.
Comment: The COL2A1 c.3158G>T variant is predicted to result in the amino acid substitution p.Gly1053Val. This variant has been reported in an individual with congenital spondylo-epiphyseal dysplasia (Terhal et al. 2012. PubMed ID: 22791362). This variant has not been reported in a large population database, indicating this variant is rare. A different variant affecting the same amino acid has been reported in individuals with hypochondrogenesis/achondrogenesis (reported as p.Gly853Glu, Bogaert et al. 1992. PubMed ID: 1429602; de novo in Zhang et al. 2021. PubMed ID: 33942288). The p.Gly1053Val variant affects a Gly residue of the conserved triple helical domain, where substitutions of the glycine are usually pathogenic (Barat-Houari et al. 2016. PubMed ID: 26626311). This variant is interpreted as likely pathogenic.